The following is an entry in ClinVar:

ClinVar aggregate classification (germline): Conflicting classifications of pathogenicity. Review status: criteria provided, conflicting classifications (1 of 4 stars). 4 submissions from 4 submitters: Uncertain significance (2); Likely benign (2). Last evaluated 2025-12-17.

Conditions:
Inborn genetic diseases. Identifiers: MedGen C0950123, MeSH D030342.

Allele frequency attached by ClinVar (database versions not stated): TOPMed 0.00006; gnomAD 0.00004 and 0.00005; gnomAD exomes 0.00008 and 0.00003; ExAC 0.00010; 1000 Genomes Project 30x 0.00047; ESP Exome Variant Server 0.00008; 1000 Genomes Project 0.00040.
gnomAD v4.1: 58 of 1,610,944 alleles (0.0036%); highest among the groups gnomAD compares: Admixed American, 0.052%; no homozygotes.

Submissions (4):

Labcorp Genetics (formerly Invitae), Labcorp
Classification: Likely benign. Last evaluated: 2025-12-17. Review status: criteria provided, single submitter. Criteria: Invitae Variant Classification Sherloc (09022015). Collection method: clinical testing. Allele origin: germline.

GeneDx
Classification: Uncertain significance. Last evaluated: 2024-02-27. Review status: criteria provided, single submitter. Criteria: GeneDx Variant Classification Process June 2021. Collection method: clinical testing. Allele origin: germline.
Comment: In silico analysis supports that this missense variant does not alter protein structure/function; Has not been previously published as pathogenic or benign to our knowledge

Ambry Genetics
Classification: Uncertain significance for Inborn genetic diseases. Last evaluated: 2021-06-18. Review status: criteria provided, single submitter. Criteria: Ambry Variant Classification Scheme 2023. Collection method: clinical testing. Allele origin: germline.

Athena Diagnostics
Classification: Likely benign. Last evaluated: 2018-05-23. Review status: criteria provided, single submitter. Criteria: Athena Diagnostics Criteria. Collection method: clinical testing. Allele origin: germline.

NM_001378452.1(ITPR1):c.2107G>A (p.Asp703Asn)

Gene: ITPR1 (inositol 1,4,5-trisphosphate receptor type 1; plus strand). Cytogenetic location: 3p26.1.
Variant type: single nucleotide variant.
Coding change: c.2107G>A on transcript NM_001378452.1 (MANE Select); coding-DNA position 2107, G replaced by A.
Protein change: p.Asp703Asn; replaces aspartic acid 703 with asparagine.
Molecular consequence: missense variant.
Genome position (GRCh38, 1-based): chr3:4,670,829, G>A. VCF-style: chr3-4670829-G-A. GRCh37 (hg19) VCF-style: chr3-4712513-G-A.
Other names: c.2107G>A, p.Asp703Asn (NM_001099952.4); c.2062G>A, p.Asp688Asn (NM_001168272.2, NM_002222.7); short protein forms D688N, D703N.
Identifiers: ClinVar variation 586042 (VCV000586042.10), dbSNP rs185464679, ClinGen allele CA2231343.